The following is an entry in ClinVar:

ClinVar aggregate classification (germline): Benign/Likely benign. Review status: criteria provided, multiple submitters, no conflicts (2 of 4 stars). 9 submissions from 9 submitters: Benign (7); Likely benign (2). Last evaluated 2026-02-03.

Conditions:
Inborn genetic diseases. Identifiers: MedGen C0950123, MeSH D030342.
Developmental and epileptic encephalopathy, 9 (DEE9). Also called: EPILEPSY, FEMALE-RESTRICTED, WITH MENTAL RETARDATION; JUBERG-HELLMAN SYNDROME; PCDH19-Related X-Linked Female-Limited Epilepsy with Mental Retardation; Early infantile epileptic encephalopathy 9. Identifiers: Orphanet 101039, Orphanet 2076, MedGen C1848137, MONDO:0010246, OMIM 300088. Disease mechanism: loss of function.

Allele frequency attached by ClinVar (database versions not stated): ESP Exome Variant Server 0.00094; gnomAD exomes 0.00585 and 0.03711; gnomAD 0.00997 and 0.01028; 1000 Genomes Project 0.01907; 1000 Genomes Project 30x 0.02081; TOPMed 0.02167; ExAC 0.02727.
gnomAD v4.1: 7,379 of 1,162,569 alleles (0.63%); highest among the groups gnomAD compares: Admixed American, 15%; 413 homozygotes.

Submissions (9):

Labcorp Genetics (formerly Invitae), Labcorp
Classification: Benign for Developmental and epileptic encephalopathy, 9. Last evaluated: 2026-02-03. Review status: criteria provided, single submitter. Criteria: Invitae Variant Classification Sherloc (09022015). Collection method: clinical testing. Allele origin: germline.

Athena Diagnostics
Classification: Benign. Last evaluated: 2025-04-17. Review status: criteria provided, single submitter. Criteria: Athena Diagnostics Criteria. Collection method: clinical testing. Allele origin: unknown.
Comment: The frequency of this variant in the general population is higher than would generally be expected for pathogenic variants in this gene.

Mayo Clinic Laboratories, Mayo Clinic
Classification: Benign. Last evaluated: 2019-05-13. Review status: criteria provided, single submitter. Criteria: ACMG Guidelines, 2015. Collection method: clinical testing. Allele origin: germline. Observed: 26 variant alleles.

Ambry Genetics
Classification: Benign for Inborn genetic diseases. Last evaluated: 2016-03-14. Review status: criteria provided, single submitter. Criteria: Ambry Variant Classification Scheme 2023. Collection method: clinical testing. Allele origin: germline.

Eurofins Ntd Llc (ga)
Classification: Benign. Last evaluated: 2014-08-22. Review status: criteria provided, single submitter. Criteria: EGL Classification Definitions 2015. Collection method: clinical testing. Allele origin: germline. Observed: 4 variant alleles, 3 heterozygotes, 1 homozygote.

Genetic Services Laboratory, University of Chicago
Classification: Likely benign. Last evaluated: 2013-01-17. Review status: criteria provided, single submitter. Criteria: ACMG Guidelines, 2007. Collection method: clinical testing. Allele origin: germline. Inheritance: X-linked inheritance.
Comment: Likely benign based on allele frequency in 1000 Genomes Project or ESP global frequency and its presence in a patient with a rare or unrelated disease phenotype. NOT Sanger confirmed

GeneDx
Classification: Benign. Last evaluated: 2012-06-11. Review status: criteria provided, single submitter. Criteria: GeneDx Variant Classification (06012015). Collection method: clinical testing. Allele origin: germline. Affected: yes.
Comment: This variant is considered likely benign or benign based on one or more of the following criteria: it is a conservative change, it occurs at a poorly conserved position in the protein, it is predicted to be benign by multiple in silico algorithms, and/or has population frequency not consistent with disease.

Breakthrough Genomics
Classification: Likely benign. Review status: criteria provided, single submitter. Criteria: ACMG Guidelines, 2015. Collection method: not provided. Allele origin: germline. Inheritance: X-linked inheritance. Affected: yes.

PreventionGenetics, part of Exact Sciences
Classification: Benign. Review status: criteria provided, single submitter. Criteria: ACMG Guidelines, 2015. Collection method: clinical testing. Allele origin: germline.

Literature cited by the submitters: PubMed 19752159 (cited by Athena Diagnostics).

NM_001184880.2(PCDH19):c.6G>A (p.Glu2=)

Gene: PCDH19 (protocadherin 19; minus strand). Cytogenetic location: Xq22.1.
Variant type: single nucleotide variant.
Coding change: c.6G>A on transcript NM_001184880.2 (MANE Select); coding-DNA position 6, G replaced by A.
Protein change: p.Glu2=; no amino-acid change (glutamic acid 2 retained).
Molecular consequence: synonymous variant.
Genome position (GRCh38, 1-based): chrX:100,408,592, C>T on the plus strand (G>A on the coding strand, the complement: PCDH19 is on the minus strand). VCF-style: chrX-100408592-C-T. GRCh37 (hg19) VCF-style: chrX-99663590-C-T.
Other names: p.E2E:GAG>GAA; p.Glu2=; c.6G>A, p.Glu2= (NM_001105243.2, NM_020766.3).
Identifiers: ClinVar variation 93679 (VCV000093679.27), dbSNP rs184883626, ClinGen allele CA285473.